The following is an entry in ClinVar:

ClinVar aggregate classification (germline): Uncertain significance (1 of 4 stars; one submission).

Submission:

ARUP Laboratories, Molecular Genetics and Genomics, ARUP Laboratories
Classification: Uncertain significance. Last evaluated: 2024-03-12. Review status: criteria provided, single submitter. Criteria: ARUP Molecular Germline Variant Investigation Process 2024. Collection method: clinical testing. Allele origin: germline.
Comment: The CFTR c.1539T>G; p.Asp513Glu variant, to our knowledge, is not reported in the medical literature or gene specific databases. This variant is also absent from the Genome Aggregation Database (v2.1.1), indicating it is not a common polymorphism. Computational analyses predict that this variant is deleterious (REVEL: 0.781). A different variant at this codon, p.Asp513Gly is reported as CF-causing in the CFTR2 database (see link). Due to limited information, the clinical significance of the p.Asp513Glu variant is uncertain at this time. References: CFTR2 database link

NM_000492.4(CFTR):c.1539T>G (p.Asp513Glu)

Genes: CFTR (CF transmembrane conductance regulator; plus strand), CFTR-AS1 (CFTR antisense RNA 1; minus strand). Cytogenetic location: 7q31.2.
Variant type: single nucleotide variant.
Coding change: c.1539T>G on transcript NM_000492.4 (MANE Select); coding-DNA position 1539, T replaced by G.
Protein change: p.Asp513Glu; replaces aspartic acid 513 with glutamic acid.
Molecular consequence: missense variant.
Genome position (GRCh38, 1-based): chr7:117,559,610, T>G. VCF-style: chr7-117559610-T-G. GRCh37 (hg19) VCF-style: chr7-117199664-T-G.
Other names: short protein forms D513E.
Identifiers: ClinVar variation 3767048 (VCV003767048.1).